The following is an entry in ClinVar:

NM_002160.4(TNC):c.4936G>A (p.Val1646Ile)

Gene: TNC (tenascin C; minus strand). Cytogenetic location: 9q33.1.
Variant type: single nucleotide variant.
Coding change: c.4936G>A on transcript NM_002160.4 (MANE Select); coding-DNA position 4936, G replaced by A.
Protein change: p.Val1646Ile; replaces valine 1646 with isoleucine.
Molecular consequence: missense variant. On other transcripts: intron variant (15).
Genome position (GRCh38, 1-based): chr9:115,046,599, C>T on the plus strand (G>A on the coding strand, the complement: TNC is on the minus strand). VCF-style: chr9-115046599-C-T. GRCh37 (hg19) VCF-style: chr9-117808878-C-T.
Other names: c.4390G>A, p.Val1464Ile (NM_001410991.1, NM_001439083.1); c.5485G>A, p.Val1829Ile (NM_001439065.1, NM_001439066.1, NM_001439067.1); c.5212G>A, p.Val1738Ile (NM_001439068.1, NM_001439069.1, NM_001439070.1); c.5209G>A, p.Val1737Ile (NM_001439071.1); c.4939G>A, p.Val1647Ile (NM_001439072.1, NM_001439073.1); c.4936G>A, p.Val1646Ile (NM_001439074.1, NM_001439075.1, NM_001439076.1); c.4663G>A, p.Val1555Ile (NM_001439077.1, NM_001439078.1, NM_001439079.1 and 3 more transcripts); c.3844G>A, p.Val1282Ile (NM_001439090.1); and 8 more; short protein forms V1100I, V1191I, V1282I, V1737I, V1738I, V1829I, V1555I, V1646I.
Identifiers: ClinVar variation 4978835 (VCV004978835.1).

ClinVar aggregate classification (germline): Uncertain significance (1 of 4 stars; one submission).

Conditions:
TNC-related disorder. Also called: TNC-related condition.

gnomAD v4.1: 13 of 1,613,908 alleles (0.00081%); highest among the groups gnomAD compares: Admixed American, 0.015%; no homozygotes.

Submission:

PreventionGenetics, part of Exact Sciences
Classification: Uncertain significance for TNC-related condition. Last evaluated: 2026-04-14. Review status: criteria provided, single submitter. Criteria: ACMG Guidelines, 2015. Collection method: clinical testing. Allele origin: germline.
Comment: The TNC c.4936G>A variant is predicted to result in the amino acid substitution p.Val1646Ile. To our knowledge, this variant has not been reported in the literature. This variant is reported in 0.014% of alleles in individuals of Latino descent in gnomAD. Although we suspect that this variant may be benign, at this time, the clinical significance of this variant is uncertain due to the absence of conclusive functional and genetic evidence.